The following is an entry in ClinVar:

ClinVar aggregate classification (germline): Uncertain significance (1 of 4 stars; one submission).

Submission:

Women's Health and Genetics/Laboratory Corporation of America, LabCorp
Classification: Uncertain significance. Last evaluated: 2022-10-19. Review status: criteria provided, single submitter. Criteria: LabCorp Variant Classification Summary - May 2015. Collection method: clinical testing. Allele origin: germline.
Comment: Variant summary: CYP21A2 c.[713T>A;719T>A] (p.[Val238Glu;Met240Lys]) variant is a complex allele and involves the alteration of multiple nucleotides. The allele frequency of this complex variant could not be determined from population databases such as gnomAD, because the individual variants of the complex have variable frequencies and the exact number of alleles representing a combination of the two in cis is unknown. However, based on the frequency of the least prevalent allele, namely c.713T>A, it can be estimated that the complex variant allele will be found at a frequency not to exceed 1.3e-05 in 150898 control chromosomes (gnomAD v3.1.2). p.V238E and p.M240K are found to be part of a recurrent cluster of 3 variants (I237N, V238E and M240K), which belongs to a group of common, pseudogene-derived mutations that are found in patients with classical CAH. This cluster of 3 variants is assumed to be transferred together from the CYP21A1P pseudogene to CYP21A2 in a continuous stretch of DNA (Robins_2005). To our knowledge, p.V238E and p.M240K have been reported in the literature as part of this cluster of 3 variants in individuals affected with Congenital Adrenal Hyperplasia (e.g. Higashi_1991, Barbat_1995, Chang_2011, Kirac_2014, Essawi_2020, Wang_2021). These reports do not provide unequivocal conclusions about association of the p.[Val238Glu;Met240Lys] variant with Congenital Adrenal Hyperplasia. Experimental evidence evaluating an impact on protein function demonstrated that the p.V238E variant alone abolishes enzyme function, while the p.M240K variant alone had no effect on enzyme activity (Robins_2005). However, the functional effect of the two variants as part of a complex allele remains unknown. No clinical diagnostic laboratories have submitted clinical-significance assessments for this complex variant to ClinVar after 2014. Based on the evidence outlined above, the variant was classified as VUS-possibly pathogenic.

Literature cited by the submitters: PubMed 7749410; PubMed 15623806; PubMed 2249999; PubMed 1869518; PubMed 33864926; PubMed 21117955; PubMed 32614782; PubMed 25227725.

NM_000500.9(CYP21A2):c.[713T>A;719T>A]

Variant type: Haplotype.
Identifiers: ClinVar variation 1723344 (VCV001723344.1).